The following is an entry in ClinVar:

NM_001165963.4(SCN1A):c.4244_4245del (p.Asn1414_Phe1415insTer)

Genes: SCN1A (sodium voltage-gated channel alpha subunit 1; minus strand), LOC102724058 (uncharacterized LOC102724058; plus strand). Cytogenetic location: 2q24.3.
Variant type: Deletion.
Coding change: c.4244_4245del on transcript NM_001165963.4 (MANE Select); coding-DNA positions 4244 to 4245, 2 bases deleted (TT; older notation c.4244_4245delTT).
Protein change: p.Asn1414_Phe1415insTer.
Molecular consequence: nonsense. On other transcripts: non-coding transcript variant (1).
Genome position (GRCh38, 1-based): chr2:166,002,511-166,002,512, AA deleted on the plus strand (TT on the coding strand, the reverse complement: SCN1A is on the minus strand); deleting any 2 consecutive bases within chr2:166,002,511-166,002,513 gives the same sequence; the c. name uses the placement nearest the transcript's 3' end. VCF-style (leftmost placement, unchanged base first): chr2-166002510-CAA-C. GRCh37 (hg19) VCF-style: chr2-166859020-CAA-C.
Other names: c.4160_4161del, p.Asn1386_Phe1387insTer (NM_001165964.3, NM_001353957.2, NM_001353958.2); c.4244_4245del, p.Asn1414_Phe1415insTer (NM_001202435.3, NM_001353948.2); c.4211_4212del, p.Asn1403_Phe1404insTer (NM_001353949.2, NM_001353950.2, NM_001353951.2 and 2 more transcripts); c.4208_4209del, p.Asn1402_Phe1403insTer (NM_001353954.2, NM_001353955.2); c.4157_4158del, p.Asn1385_Phe1386insTer (NM_001353960.2); c.1802_1803del, p.Asn600_Phe601insTer (NM_001353961.2).
Identifiers: ClinVar variation 189854 (VCV000189854.6), dbSNP rs794726705, ClinGen allele CA303116.
Genomic context (GRCh38, chr2:166,002,510, plus strand): 5'-AGAGAAAATAGTGTTCACTTACAACTTGAAGCAAAGAGAGATACCCAAATCCTACATTAT[CAA>C]AGTTTACTTTCACATTTTTCCATCGAGCAGTCTCATTTCTTTCTATTAGTTTTAGGCAAT-3'

ClinVar aggregate classification (germline): Pathogenic. Review status: criteria provided, multiple submitters, no conflicts (2 of 4 stars). 2 submissions from 2 submitters: Pathogenic (2). Last evaluated 2022-07-23.

Conditions:
Early-infantile DEE. Also called: Early infantile epileptic encephalopathy; Ohtahara syndrome; Early infantile epileptic encephalopathy with suppression bursts. Identifiers: Orphanet 1934, MedGen C0393706, MONDO:0800491.
Severe myoclonic epilepsy in infancy (DRVT). Also called: Epileptic encephalopathy, early infantile, 6 (Dravet syndrome); SEVERE MYOCLONIC EPILEPSY OF INFANCY; DEVELOPMENTAL AND EPILEPTIC ENCEPHALOPATHY 6A; Severe Myoclonic Epilepsy in Infancy (SMEI); Dravet syndrome. Identifiers: Orphanet 33069, MedGen C0751122, MONDO:0100135, OMIM 607208.

Submissions (2):

Labcorp Genetics (formerly Invitae), Labcorp
Classification: Pathogenic for Early-infantile DEE. Last evaluated: 2022-07-23. Review status: criteria provided, single submitter. Criteria: Invitae Variant Classification Sherloc (09022015). Collection method: clinical testing. Allele origin: germline.
Comment: For these reasons, this variant has been classified as Pathogenic. ClinVar contains an entry for this variant (Variation ID: 189854). This premature translational stop signal has been observed in individual(s) with Dravet syndrome (PMID: 20431604). In at least one individual the variant was observed to be de novo. This variant is not present in population databases (gnomAD no frequency). This sequence change creates a premature translational stop signal (p.Phe1415*) in the SCN1A gene. It is expected to result in an absent or disrupted protein product. Loss-of-function variants in SCN1A are known to be pathogenic (PMID: 17347258, 18930999).

Center for Bioinformatics, Peking University
Classification: Pathogenic for Dravet syndrome. Last evaluated: 2014-12-20. Review status: criteria provided, single submitter. Criteria: Xu et al. (Hum Mutat. 2015). Collection method: research. Allele origin: de novo. Affected: yes. Observed: 1 variant allele. Study: University Clinical Cooperation “985 Project” PKU-2014-1-1.
Comment: Dravet syndrome (DS) probands were recruited from the outpatient and inpatient child neurology units of Peking University First Hospital from 2005 till present. The study was approved by the Ethics Committee of Peking University First Hospital and the Institutional Review Board at Peking University. Participants or their parents provided written informed consent before enrollment. We collected a total of 267 mutations from 255 families with probands diagnosed with DS in China. All probands fulfilled the clinical diagnostic criteria.

Literature cited by the submitters: PubMed 20431604 (cited by Labcorp Genetics (formerly Invitae), Labcorp); PubMed 17347258 (cited by Labcorp Genetics (formerly Invitae), Labcorp); PubMed 18930999 (cited by Labcorp Genetics (formerly Invitae), Labcorp).